The following is an entry in ClinVar:

ClinVar aggregate classification (germline): Uncertain significance. Review status: criteria provided, multiple submitters, no conflicts (2 of 4 stars). 2 submissions from 2 submitters: Uncertain significance (2). Last evaluated 2025-11-27.

Submissions (2):

Labcorp Genetics (formerly Invitae), Labcorp
Classification: Uncertain significance. Last evaluated: 2025-11-27. Review status: criteria provided, single submitter. Criteria: Invitae Variant Classification Sherloc (09022015). Collection method: clinical testing. Allele origin: germline.
Comment: This sequence change replaces phenylalanine, which is neutral and non-polar, with leucine, which is neutral and non-polar, at codon 17 of the ANKZF1 protein (p.Phe17Leu). This variant is not present in population databases (gnomAD no frequency). This variant has not been reported in the literature in individuals affected with ANKZF1-related conditions. ClinVar contains an entry for this variant (Variation ID: 2308201). An algorithm developed to predict the effect of missense changes on protein structure and function outputs the following: PolyPhen-2: "Benign". The leucine amino acid residue is found in multiple mammalian species, which suggests that this missense change does not adversely affect protein function. In summary, the available evidence is currently insufficient to determine the role of this variant in disease. Therefore, it has been classified as a Variant of Uncertain Significance.

Ambry Genetics
Classification: Uncertain significance. Last evaluated: 2022-08-17. Review status: criteria provided, single submitter. Criteria: Ambry Variant Classification Scheme 2023. Collection method: clinical testing. Allele origin: germline.

NM_018089.3(ANKZF1):c.51T>G (p.Phe17Leu)

Gene: ANKZF1 (ankyrin repeat and zinc finger peptidyl tRNA hydrolase 1; plus strand). Cytogenetic location: 2q35.
Variant type: single nucleotide variant.
Coding change: c.51T>G on transcript NM_018089.3 (MANE Select); coding-DNA position 51, T replaced by G.
Protein change: p.Phe17Leu; replaces phenylalanine 17 with leucine.
Molecular consequence: missense variant. On other transcripts: intron variant (1).
Genome position (GRCh38, 1-based): chr2:219,230,308, T>G. VCF-style: chr2-219230308-T-G. GRCh37 (hg19) VCF-style: chr2-220095030-T-G.
Other names: c.51T>G, p.Phe17Leu (NM_001042410.2); c.-267+408T>G (NM_001282792.2); short protein forms F17L.
Identifiers: ClinVar variation 2308201 (VCV002308201.3), dbSNP rs2544903635, ClinGen allele CA350669977.
Genomic context (GRCh38, chr2:219,230,308, plus strand): 5'-CTGCTCAGCCATGTCGCCGGCTCCAGATGCAGCCCCGGCTCCTGCGTCGATCTCCCTGTT[T>G]GACCTCAGCGCGGATGCTCCGGTCTTTCAGGGCCTGAGCCTGGTGAGCCACGCGCCTGGG-3'
Protein context (NP_060559.2, residues 7-27): AAPAPASISL[Phe17Leu]DLSADAPVFQ